The following is an entry in ClinVar:

ClinVar aggregate classification (germline): Likely benign. Review status: criteria provided, multiple submitters, no conflicts (2 of 4 stars). 2 submissions from 2 submitters: Likely benign (2). Last evaluated 2025-09-23.

Conditions:
Left ventricular noncompaction 8 (LVNC8). Identifiers: Orphanet 154, Orphanet 54260, MedGen C3809288, MONDO:0014152, OMIM 615373.

Allele frequency attached by ClinVar (database versions not stated): gnomAD 0.00003 and 0.00004; gnomAD exomes 0.00004 and 0.00002; TOPMed 0.00002.
gnomAD v4.1: 62 of 1,613,356 alleles (0.0038%); highest among the groups gnomAD compares: Non-Finnish European, 0.0052%; no homozygotes.

Submissions (2):

Labcorp Genetics (formerly Invitae), Labcorp
Classification: Likely benign for Left ventricular noncompaction 8. Last evaluated: 2025-09-23. Review status: criteria provided, single submitter. Criteria: Invitae Variant Classification Sherloc (09022015). Collection method: clinical testing. Allele origin: germline.

GeneDx
Classification: Likely benign. Last evaluated: 2018-04-09. Review status: criteria provided, single submitter. Criteria: GeneDx Variant Classification (06012015). Collection method: clinical testing. Allele origin: germline. Affected: yes.
Comment: This variant is considered likely benign or benign based on one or more of the following criteria: it is a conservative change, it occurs at a poorly conserved position in the protein, it is predicted to be benign by multiple in silico algorithms, and/or has population frequency not consistent with disease.

NM_022114.4(PRDM16):c.2283C>T (p.Ala761=)

Gene: PRDM16 (PR/SET domain 16; plus strand). Cytogenetic location: 1p36.32.
Variant type: single nucleotide variant.
Coding change: c.2283C>T on transcript NM_022114.4 (MANE Select); coding-DNA position 2283, C replaced by T.
Protein change: p.Ala761=; no amino-acid change (alanine 761 retained).
Molecular consequence: synonymous variant.
Genome position (GRCh38, 1-based): chr1:3,412,480, C>T. VCF-style: chr1-3412480-C-T. GRCh37 (hg19) VCF-style: chr1-3329044-C-T.
Other names: c.2283C>T, p.Ala761= (NM_199454.3).
Identifiers: ClinVar variation 681665 (VCV000681665.4), dbSNP rs751542963, ClinGen allele CA16967720.